The following is an entry in ClinVar:

ClinVar aggregate classification (germline): Uncertain significance (1 of 4 stars; one submission).

Conditions:
Hereditary nonpolyposis colorectal neoplasms. Identifiers: MedGen C0009405, MeSH D003123.

Submission:

Labcorp Genetics (formerly Invitae), Labcorp
Classification: Uncertain significance for Hereditary nonpolyposis colorectal neoplasms. Last evaluated: 2025-03-11. Review status: criteria provided, single submitter. Criteria: Invitae Variant Classification Sherloc (09022015). Collection method: clinical testing. Allele origin: germline.
Comment: This sequence change replaces serine, which is neutral and polar, with asparagine, which is neutral and polar, at codon 950 of the MSH6 protein (p.Ser950Asn). This variant is not present in population databases (gnomAD no frequency). This variant has not been reported in the literature in individuals affected with MSH6-related conditions. ClinVar contains an entry for this variant (Variation ID: 945289). Invitae Evidence Modeling of protein sequence and biophysical properties (such as structural, functional, and spatial information, amino acid conservation, physicochemical variation, residue mobility, and thermodynamic stability) indicates that this missense variant is not expected to disrupt MSH6 protein function with a negative predictive value of 95%. In summary, the available evidence is currently insufficient to determine the role of this variant in disease. Therefore, it has been classified as a Variant of Uncertain Significance.

NM_000179.3(MSH6):c.2849G>A (p.Ser950Asn)

Gene: MSH6 (mutS homolog 6; plus strand). Cytogenetic location: 2p16.3.
Variant type: single nucleotide variant.
Coding change: c.2849G>A on transcript NM_000179.3 (MANE Select); coding-DNA position 2849, G replaced by A.
Protein change: p.Ser950Asn; replaces serine 950 with asparagine.
Molecular consequence: missense variant.
Genome position (GRCh38, 1-based): chr2:47,800,832, G>A. VCF-style: chr2-47800832-G-A. GRCh37 (hg19) VCF-style: chr2-48027971-G-A.
Other names: c.1943G>A, p.Ser648Asn (NM_001281494.2, NM_001281493.2); c.2459G>A, p.Ser820Asn (NM_001281492.2); short protein forms S648N, S820N, S950N.
Identifiers: ClinVar variation 945289 (VCV000945289.10), dbSNP rs1669517990, ClinGen allele CA346755854.